The following is an entry in ClinVar:

ClinVar aggregate classification (germline): Likely benign (1 of 4 stars; one submission).

Allele frequency attached by ClinVar (database versions not stated): gnomAD 0.00002; gnomAD exomes 0.00004; ExAC 0.00005.
gnomAD v4.1: 60 of 1,612,936 alleles (0.0037%); highest among the groups gnomAD compares: South Asian, 0.066%; no homozygotes.

Submission:

CeGaT Center for Human Genetics Tuebingen
Classification: Likely benign. Last evaluated: 2024-05-01. Review status: criteria provided, single submitter. Criteria: CeGaT Center For Human Genetics Tuebingen Variant Classification Criteria Version 2. Collection method: clinical testing. Allele origin: germline. Affected: yes. Observed: 1 variant allele.
Comment: RAC3: BP4, BP7

NM_005052.3(RAC3):c.480G>A (p.Leu160=)

Gene: RAC3 (Rac family small GTPase 3; plus strand). Cytogenetic location: 17q25.3.
Variant type: single nucleotide variant.
Coding change: c.480G>A on transcript NM_005052.3 (MANE Select); coding-DNA position 480, G replaced by A.
Protein change: p.Leu160=; no amino-acid change (leucine 160 retained).
Molecular consequence: synonymous variant. On other transcripts: missense variant (1).
Genome position (GRCh38, 1-based): chr17:82,033,730, G>A. VCF-style: chr17-82033730-G-A. GRCh37 (hg19) VCF-style: chr17-79991606-G-A.
Other names: c.484G>A, p.Asp162Asn (NM_001316307.2); short protein forms D162N.
Identifiers: ClinVar variation 3239472 (VCV003239472.19), dbSNP rs761606094.
Genomic context (GRCh38, chr17:82,033,730, plus strand): 5'-TCACTGTCTCCCCTCCTCACTGCCGCTAGGCTCTGTGAAATACCTGGAGTGCTCAGCCCT[G>A]ACCCAGCGGGGCCTGAAGACAGTGTTTGACGAGGCGATCCGCGCGGTGCTCTGCCCGCCC-3'
Protein context (NP_005043.1, residues 150-170): GSVKYLECSA[Leu160=]TQRGLKTVFD